The following is an entry in ClinVar:

NM_007332.3(TRPA1):c.970C>T (p.Leu324=)

Gene: TRPA1 (transient receptor potential cation channel subfamily A member 1; minus strand). Cytogenetic location: 8q21.11.
Variant type: single nucleotide variant.
Coding change: c.970C>T on transcript NM_007332.3 (MANE Select); coding-DNA position 970, C replaced by T.
Protein change: p.Leu324=; no amino-acid change (leucine 324 retained).
Molecular consequence: synonymous variant.
Genome position (GRCh38, 1-based): chr8:72,059,413, G>A on the plus strand (C>T on the coding strand, the complement: TRPA1 is on the minus strand). VCF-style: chr8-72059413-G-A. GRCh37 (hg19) VCF-style: chr8-72971648-G-A.
Identifiers: ClinVar variation 2658650 (VCV002658650.24), dbSNP rs1805752847, ClinGen allele CA461344084.

ClinVar aggregate classification (germline): Uncertain significance (1 of 4 stars; one submission).

Allele frequency attached by ClinVar (database versions not stated): gnomAD exomes below 0.00001; gnomAD 0.00001.
gnomAD v4.1: 5 of 1,584,812 alleles (0.00032%); highest among the groups gnomAD compares: Non-Finnish European, 0.00043%; no homozygotes.

Submission:

CeGaT Center for Human Genetics Tuebingen
Classification: Uncertain significance. Last evaluated: 2022-09-01. Review status: criteria provided, single submitter. Criteria: CeGaT Center For Human Genetics Tuebingen Variant Classification Criteria Version 2. Collection method: clinical testing. Allele origin: germline. Affected: yes. Observed: 1 variant allele.
Comment: TRPA1: PM2, BP4